The following is an entry in ClinVar:

ClinVar aggregate classification (germline): Uncertain significance (1 of 4 stars; one submission).

Conditions:
LAMA2-related muscular dystrophy (LAMA2-RD). Also called: Laminin alpha 2-related dystrophy. Identifiers: MedGen C5679788, MONDO:0100228.

Allele frequency attached by ClinVar (database versions not stated): gnomAD exomes below 0.00001; ExAC 0.00001; TOPMed 0.00001; gnomAD 0.00002.
gnomAD v4.1: 5 of 1,609,732 alleles (0.00031%); highest among the groups gnomAD compares: African/African-American, 0.0067%; no homozygotes.

Submission:

Labcorp Genetics (formerly Invitae), Labcorp
Classification: Uncertain significance for LAMA2-related muscular dystrophy. Last evaluated: 2022-05-06. Review status: criteria provided, single submitter. Criteria: Invitae Variant Classification Sherloc (09022015). Collection method: clinical testing. Allele origin: germline.
Comment: This sequence change replaces aspartic acid, which is acidic and polar, with valine, which is neutral and non-polar, at codon 2011 of the LAMA2 protein (p.Asp2011Val). This variant is present in population databases (rs748201053, gnomAD 0.007%). This variant has not been reported in the literature in individuals affected with LAMA2-related conditions. Advanced modeling of protein sequence and biophysical properties (such as structural, functional, and spatial information, amino acid conservation, physicochemical variation, residue mobility, and thermodynamic stability) performed at Invitae indicates that this missense variant is not expected to disrupt LAMA2 protein function. In summary, the available evidence is currently insufficient to determine the role of this variant in disease. Therefore, it has been classified as a Variant of Uncertain Significance.

NM_000426.4(LAMA2):c.6032A>T (p.Asp2011Val)

Gene: LAMA2 (laminin subunit alpha 2; plus strand). Cytogenetic location: 6q22.33.
Variant type: single nucleotide variant.
Coding change: c.6032A>T on transcript NM_000426.4 (MANE Select); coding-DNA position 6032, A replaced by T.
Protein change: p.Asp2011Val; replaces aspartic acid 2011 with valine.
Molecular consequence: missense variant.
Genome position (GRCh38, 1-based): chr6:129,438,709, A>T. VCF-style: chr6-129438709-A-T. GRCh37 (hg19) VCF-style: chr6-129759854-A-T.
Other names: c.6032A>T, p.Asp2011Val (NM_001079823.2); short protein forms D2011V.
Identifiers: ClinVar variation 2077155 (VCV002077155.1), dbSNP rs748201053, ClinGen allele CA3994080.